The following is an entry in ClinVar:

NM_020376.4(PNPLA2):c.132C>G (p.Tyr44Ter)

Genes: PNPLA2 (patatin like domain 2, triacylglycerol lipase; plus strand), LOC130005097 (ATAC-STARR-seq lymphoblastoid silent region 3036; plus strand). Cytogenetic location: 11p15.5.
Variant type: single nucleotide variant.
Coding change: c.132C>G on transcript NM_020376.4 (MANE Select); coding-DNA position 132, C replaced by G.
Protein change: p.Tyr44Ter; replaces tyrosine 44 with a stop codon.
Molecular consequence: nonsense.
Genome position (GRCh38, 1-based): chr11:819,850, C>G. VCF-style: chr11-819850-C-G. GRCh37 (hg19) VCF-style: chr11-819850-C-G.
Other names: short protein forms Y44*.
Identifiers: ClinVar variation 3721929 (VCV003721929.4).

ClinVar aggregate classification (germline): Pathogenic/Likely pathogenic. Review status: criteria provided, multiple submitters, no conflicts (2 of 4 stars). 2 submissions from 2 submitters: Pathogenic (1); Likely pathogenic (1). Last evaluated 2024-09-30.

Conditions:
Neutral lipid storage myopathy (NLSDM). Also called: NEUTRAL LIPID STORAGE DISEASE WITHOUT ICHTHYOSIS. Identifiers: Orphanet 98908, MedGen C1853136, MONDO:0012545, OMIM 610717.

Submissions (2):

Labcorp Genetics (formerly Invitae), Labcorp
Classification: Pathogenic for Neutral lipid storage myopathy. Last evaluated: 2024-09-30. Review status: criteria provided, single submitter. Criteria: Invitae Variant Classification Sherloc (09022015). Collection method: clinical testing. Allele origin: germline.
Comment: This sequence change creates a premature translational stop signal (p.Tyr44*) in the PNPLA2 gene. It is expected to result in an absent or disrupted protein product. Loss-of-function variants in PNPLA2 are known to be pathogenic (PMID: 17187067). This variant is not present in population databases (gnomAD no frequency). This variant has not been reported in the literature in individuals affected with PNPLA2-related conditions. For these reasons, this variant has been classified as Pathogenic.

Juno Genomics, Hangzhou Juno Genomics, Inc
Classification: Likely pathogenic for Neutral lipid storage myopathy. Review status: criteria provided, single submitter. Criteria: ACMG Guidelines, 2015. Collection method: clinical testing. Allele origin: germline.
Comment: Null variant in a gene where loss of function (LOF) is a known mechanism of disease.;Absent from controls (or at extremely low frequency if recessive) in Genome Aggregation Database.

Literature cited by the submitters: PubMed 17187067 (cited by Labcorp Genetics (formerly Invitae), Labcorp).